The following is an entry in ClinVar:

ClinVar aggregate classification (germline): Pathogenic (1 of 4 stars; one submission).

Conditions:
Primary ciliary dyskinesia 28. Also called: CILIARY DYSKINESIA, PRIMARY, 28, WITH OR WITHOUT SITUS INVERSUS. Identifiers: Orphanet 244, MedGen C3809706, MONDO:0014216, OMIM 615505.

Submission:

Labcorp Genetics (formerly Invitae), Labcorp
Classification: Pathogenic for Primary ciliary dyskinesia 28. Last evaluated: 2023-12-23. Review status: criteria provided, single submitter. Criteria: Invitae Variant Classification Sherloc (09022015). Collection method: clinical testing. Allele origin: germline.
Comment: This sequence change creates a premature translational stop signal (p.Asp415Alafs*31) in the SPAG1 gene. It is expected to result in an absent or disrupted protein product. Loss-of-function variants in SPAG1 are known to be pathogenic (PMID: 24055112). This variant is not present in population databases (gnomAD no frequency). This variant has not been reported in the literature in individuals affected with SPAG1-related conditions. For these reasons, this variant has been classified as Pathogenic.

Literature cited by the submitters: PubMed 24055112.

NM_003114.5(SPAG1):c.1244_1253del (p.Asp415fs)

Genes: SPAG1 (sperm associated antigen 1; plus strand), LOC130000832 (ATAC-STARR-seq lymphoblastoid silent region 19412; plus strand). Cytogenetic location: 8q22.2.
Variant type: Deletion.
Coding change: c.1244_1253del on transcript NM_003114.5 (MANE Select); coding-DNA positions 1244 to 1253, 10 bases deleted (ACAAGCGGAG; older notation c.1244_1253delACAAGCGGAG).
Protein change: p.Asp415fs; shifts the reading frame from aspartic acid 415.
Molecular consequence: frameshift variant.
Genome position (GRCh38, 1-based): chr8:100,213,237-100,213,246, ACAAGCGGAG deleted; deleting any 10 consecutive bases within chr8:100,213,236-100,213,246 gives the same sequence; the c. name uses the placement nearest the transcript's 3' end. VCF-style (leftmost placement, unchanged base first): chr8-100213235-GGACAAGCGGA-G. GRCh37 (hg19) VCF-style: chr8-101225463-GGACAAGCGGA-G.
Other names: c.1244_1253del, p.Asp415fs (NM_001374321.1, NM_172218.3); short protein forms D415fs.
Identifiers: ClinVar variation 2917501 (VCV002917501.3), dbSNP rs1817811676, ClinGen allele CA2497235634.
Genomic context (GRCh38, chr8:100,213,235, plus strand): 5'-AGGCGGCAAGCGGCCGGCAAGGGGCGCGCCGCAGCGGGGCCAGACCCCGGAGGCCGGCGC[GGACAAGCGGA>G]GCCCACGGCGGGCCTCTGCGGCGGCGGCGGCGGGCGGCGGCGCCACCGGGCATCCGGGCG-3'